The following is an entry in ClinVar:

NM_004064.5(CDKN1B):c.222C>G (p.Tyr74Ter)

Gene: CDKN1B (cyclin dependent kinase inhibitor 1B; plus strand). Cytogenetic location: 12p13.1.
Variant type: single nucleotide variant.
Coding change: c.222C>G on transcript NM_004064.5 (MANE Select); coding-DNA position 222, C replaced by G.
Protein change: p.Tyr74Ter; replaces tyrosine 74 with a stop codon.
Molecular consequence: nonsense.
Genome position (GRCh38, 1-based): chr12:12,718,061, C>G. VCF-style: chr12-12718061-C-G. GRCh37 (hg19) VCF-style: chr12-12870995-C-G.
Other names: short protein forms Y74*.
Identifiers: ClinVar variation 3999744 (VCV003999744.1).

ClinVar aggregate classification (germline): Pathogenic (1 of 4 stars; one submission).

Conditions:
Hereditary cancer-predisposing syndrome. Also called: Tumor predisposition; Hereditary neoplastic syndrome; Neoplastic Syndromes, Hereditary; Hereditary Cancer Syndrome. Identifiers: Orphanet 140162, MedGen C0027672, MeSH D009386, MONDO:0015356.

Submission:

Ambry Genetics
Classification: Pathogenic for Hereditary cancer-predisposing syndrome. Last evaluated: 2025-03-21. Review status: criteria provided, single submitter. Criteria: Ambry Variant Classification Scheme 2023. Collection method: clinical testing. Allele origin: germline.
Comment: The p.Y74* pathogenic mutation (also known as c.222C>G), located in coding exon 1 of the CDKN1B gene, results from a C to G substitution at nucleotide position 222. This changes the amino acid from a tyrosine to a stop codon within coding exon 1. This variant is considered to be rare based on population cohorts in the Genome Aggregation Database (gnomAD). This alteration is expected to result in loss of function by premature protein truncation or nonsense-mediated mRNA decay. As such, this alteration is interpreted as a disease-causing mutation.